The following is an entry in ClinVar:

ClinVar aggregate classification (germline): Uncertain significance (1 of 4 stars; one submission).

Submission:

GeneDx
Classification: Uncertain significance. Last evaluated: 2024-01-29. Review status: criteria provided, single submitter. Criteria: GeneDx Variant Classification Process June 2021. Collection method: clinical testing. Allele origin: germline. Affected: yes.
Comment: Not observed at significant frequency in large population cohorts (gnomAD); Frameshift variant predicted to result in protein truncation or nonsense mediated decay in a gene or region of a gene for which loss of function is not a well-established mechanism of disease; Has not been previously published as pathogenic or benign to our knowledge; Variants in candidate genes are classified as variants of uncertain significance in accordance with ACMG guidelines (PMID: 25741868)

NM_003400.4(XPO1):c.2336del (p.Pro779fs)

Gene: XPO1 (exportin 1; minus strand). Cytogenetic location: 2p15.
Variant type: Deletion.
Coding change: c.2336del on transcript NM_003400.4 (MANE Select); coding-DNA position 2336, one base deleted (C; older notation c.2336delC).
Protein change: p.Pro779fs; shifts the reading frame from proline 779.
Molecular consequence: frameshift variant.
Genome position (GRCh38, 1-based): chr2:61,485,940, G deleted on the plus strand (C on the coding strand, the reverse complement: XPO1 is on the minus strand); the first of 5 consecutive G bases (chr2:61,485,940-61,485,944); deleting any one gives the same sequence. VCF-style (leftmost placement, unchanged base first): chr2-61485939-AG-A. GRCh37 (hg19) VCF-style: chr2-61713074-AG-A.
Other names: c.2201del, p.Pro734fs (NM_001410799.1); short protein forms P734fs, P779fs.
Identifiers: ClinVar variation 4076633 (VCV004076633.1).